The following is an entry in ClinVar:

NM_004364.5(CEBPA):c.483G>T (p.Lys161Asn)

Gene: CEBPA (CCAAT enhancer binding protein alpha; minus strand). Cytogenetic location: 19q13.11.
Variant type: single nucleotide variant.
Coding change: c.483G>T on transcript NM_004364.5 (MANE Select); coding-DNA position 483, G replaced by T.
Protein change: p.Lys161Asn; replaces lysine 161 with asparagine.
Molecular consequence: missense variant.
Genome position (GRCh38, 1-based): chr19:33,301,932, C>A on the plus strand (G>T on the coding strand, the complement: CEBPA is on the minus strand). VCF-style: chr19-33301932-C-A. GRCh37 (hg19) VCF-style: chr19-33792838-C-A.
Other names: c.126G>T, p.Lys42Asn (NM_001285829.2); c.588G>T, p.Lys196Asn (NM_001287424.2); c.441G>T, p.Lys147Asn (NM_001287435.2); short protein forms K147N, K196N, K161N, K42N.
Identifiers: ClinVar variation 4225028 (VCV004225028.1).

ClinVar aggregate classification (germline): Uncertain significance (1 of 4 stars; one submission).

Conditions:
Inborn genetic diseases. Identifiers: MedGen C0950123, MeSH D030342.

Submission:

Ambry Genetics
Classification: Uncertain significance for Inborn genetic diseases. Last evaluated: 2025-06-21. Review status: criteria provided, single submitter. Criteria: Ambry Variant Classification Scheme 2023. Collection method: clinical testing. Allele origin: germline.
Comment: The p.K161N variant (also known as c.483G>T), located in coding exon 1 of the CEBPA gene, results from a G to T substitution at nucleotide position 483. The lysine at codon 161 is replaced by asparagine, an amino acid with similar properties. This amino acid position is conserved. In addition, this alteration is predicted to be tolerated by in silico analysis. Based on the available evidence, the clinical significance of this variant remains unclear.